The following is an entry in ClinVar:

ClinVar aggregate classification (germline): Likely benign (0 of 4 stars; one submission).

Conditions:
ANO10-related disorder. Also called: ANO10-related condition.

Allele frequency attached by ClinVar (database versions not stated): gnomAD exomes below 0.00001.
gnomAD v4.1: 1 of 1,614,144 alleles (0.000062%); highest among the groups gnomAD compares: Non-Finnish European, 0.000085%; no homozygotes.

Submission:

PreventionGenetics, part of Exact Sciences
Classification: Likely benign for ANO10-related condition. Last evaluated: 2021-04-13. Review status: no assertion criteria provided. Collection method: clinical testing. Allele origin: germline.
Comment: This variant is classified as likely benign based on ACMG/AMP sequence variant interpretation guidelines (Richards et al. 2015 PMID: 25741868, with internal and published modifications).

NM_018075.5(ANO10):c.282T>C (p.Asp94=)

Gene: ANO10 (anoctamin 10; minus strand). Cytogenetic location: 3p21.33.
Variant type: single nucleotide variant.
Coding change: c.282T>C on transcript NM_018075.5 (MANE Select); coding-DNA position 282, T replaced by C.
Protein change: p.Asp94=; no amino-acid change (aspartic acid 94 retained).
Molecular consequence: synonymous variant. On other transcripts: intron variant (4).
Genome position (GRCh38, 1-based): chr3:43,600,439, A>G on the plus strand (T>C on the coding strand, the complement: ANO10 is on the minus strand). VCF-style: chr3-43600439-A-G. GRCh37 (hg19) VCF-style: chr3-43641931-A-G.
Other names: c.282T>C, p.Asp94= (NM_001204831.3, NM_001204834.3, NM_001346463.2 and 4 more transcripts); c.140-1773T>C (NM_001346469.2, NM_001204832.3, NM_001346466.2); c.139+5275T>C (NM_001204833.3).
Identifiers: ClinVar variation 3031181 (VCV003031181.2), dbSNP rs1239173284, ClinGen allele CA433379241.